The following is an entry in ClinVar:

NM_001352754.2(ARMC9):c.780+1G>A

Gene: ARMC9 (armadillo repeat containing 9; plus strand). Cytogenetic location: 2q37.1.
Variant type: single nucleotide variant.
Coding change: c.780+1G>A on transcript NM_001352754.2 (MANE Select); the canonical splice donor site of the intron after coding-DNA position 780, G replaced by A.
Molecular consequence: splice donor variant.
Genome position (GRCh38, 1-based): chr2:231,235,382, G>A. VCF-style: chr2-231235382-G-A. GRCh37 (hg19) VCF-style: chr2-232100095-G-A.
Other names: c.780+1G>A (NM_001271466.4, NM_001352755.2, NM_001352756.2 and 5 more transcripts).
Identifiers: ClinVar variation 3381962 (VCV003381962.2).
Genomic context (GRCh38, chr2:231,235,382, plus strand): 5'-CTCATTGGAGTCACAGCAGAGCTGGTGGATTCTCTAGAGGCCACAGTCAGCGGCAAGATG[G>A]TAAGGAAGATCCCTAATTGTGTGTATGTCTGTTTGGCAATGAAGAAGGCTTATAGGCATG-3'

ClinVar aggregate classification (germline): Likely pathogenic (1 of 4 stars; one submission).

Conditions:
Joubert syndrome 30. Identifiers: MedGen C4539937, MONDO:0033308, OMIM 617622.

gnomAD v4.1: 1 of 1,614,082 alleles (0.000062%); highest among the groups gnomAD compares: Non-Finnish European, 0.000085%; no homozygotes.

Submission:

Juno Genomics, Hangzhou Juno Genomics, Inc
Classification: Likely pathogenic for Joubert syndrome 30. Review status: criteria provided, single submitter. Criteria: ACMG Guidelines, 2015. Collection method: clinical testing. Allele origin: germline. Affected: yes.
Comment: Absent from controls (or at extremely low frequency if recessive) in Genome Aggregation Database, Exome Sequencing Project, 1000 Genomes Project, or Exome Aggregation Consortium.;Null variant in a gene where loss of function (LOF) is a known mechanism of disease.